The following is an entry in ClinVar:

ClinVar aggregate classification (germline): Uncertain significance (0 of 4 stars; one submission).

Conditions:
PCNT-related disorder. Also called: PCNT-related condition.

Submission:

PreventionGenetics, part of Exact Sciences
Classification: Uncertain significance for PCNT-related condition. Last evaluated: 2023-11-20. Review status: no assertion criteria provided. Collection method: clinical testing. Allele origin: germline.
Comment: The PCNT c.6964C>A variant is predicted to result in the amino acid substitution p.Gln2322Lys. To our knowledge, this variant has not been reported in the literature or in a large population database, indicating this variant is rare. At this time, the clinical significance of this variant is uncertain due to the absence of conclusive functional and genetic evidence.

NM_006031.6(PCNT):c.6964C>A (p.Gln2322Lys)

Gene: PCNT (pericentrin; plus strand). Cytogenetic location: 21q22.3.
Variant type: single nucleotide variant.
Coding change: c.6964C>A on transcript NM_006031.6 (MANE Select); coding-DNA position 6964, C replaced by A.
Protein change: p.Gln2322Lys; replaces glutamine 2322 with lysine.
Molecular consequence: missense variant.
Genome position (GRCh38, 1-based): chr21:46,418,246, C>A. VCF-style: chr21-46418246-C-A. GRCh37 (hg19) VCF-style: chr21-47838160-C-A.
Other names: c.6610C>A, p.Gln2204Lys (NM_001315529.2); short protein forms Q2204K, Q2322K.
Identifiers: ClinVar variation 3349083 (VCV003349083.1).